The following is an entry in ClinVar:

ClinVar aggregate classification (germline): Likely benign. Review status: criteria provided, multiple submitters, no conflicts (2 of 4 stars). 2 submissions from 2 submitters: Likely benign (2). Last evaluated 2023-11-01.

Allele frequency attached by ClinVar (database versions not stated): gnomAD exomes below 0.00001; ExAC 0.00001.
gnomAD v4.1: 1 of 1,611,410 alleles (0.000062%); highest among the groups gnomAD compares: Non-Finnish European, 0.000085%; no homozygotes.

Submissions (2):

CeGaT Center for Human Genetics Tuebingen
Classification: Likely benign. Last evaluated: 2023-11-01. Review status: criteria provided, single submitter. Criteria: CeGaT Center For Human Genetics Tuebingen Variant Classification Criteria Version 2. Collection method: clinical testing. Allele origin: germline. Affected: yes. Observed: 1 variant allele.
Comment: NEFH: BP4, BP7

Labcorp Genetics (formerly Invitae), Labcorp
Classification: Likely benign. Last evaluated: 2021-08-26. Review status: criteria provided, single submitter. Criteria: Invitae Variant Classification Sherloc (09022015). Collection method: clinical testing. Allele origin: germline.

NM_021076.4(NEFH):c.1731G>A (p.Glu577=)

Gene: NEFH (neurofilament heavy chain; plus strand). Cytogenetic location: 22q12.2.
Variant type: single nucleotide variant.
Coding change: c.1731G>A on transcript NM_021076.4 (MANE Select); coding-DNA position 1731, G replaced by A.
Protein change: p.Glu577=; no amino-acid change (glutamic acid 577 retained).
Molecular consequence: synonymous variant.
Genome position (GRCh38, 1-based): chr22:29,489,371, G>A. VCF-style: chr22-29489371-G-A. GRCh37 (hg19) VCF-style: chr22-29885360-G-A.
Identifiers: ClinVar variation 1552902 (VCV001552902.30), dbSNP rs746619015, ClinGen allele CA10174267.